The following is an entry in ClinVar:

NM_138395.4(MARS2):c.1126C>T (p.Arg376Trp)

Gene: MARS2 (methionyl-tRNA synthetase 2, mitochondrial; plus strand). Cytogenetic location: 2q33.1.
Variant type: single nucleotide variant.
Coding change: c.1126C>T on transcript NM_138395.4 (MANE Select); coding-DNA position 1126, C replaced by T.
Protein change: p.Arg376Trp; replaces arginine 376 with tryptophan.
Molecular consequence: missense variant.
Genome position (GRCh38, 1-based): chr2:197,706,531, C>T. VCF-style: chr2-197706531-C-T. GRCh37 (hg19) VCF-style: chr2-198571255-C-T.
Other names: short protein forms R376W.
Identifiers: ClinVar variation 4747283 (VCV004747283.1).
Genomic context (GRCh38, chr2:197,706,531, plus strand): 5'-GTGGATCCTAGGACTTGCCTTAACCGCTATACCGTGGATGGCTTCCGCTACTTTCTCCTT[C>T]GGCAGGGCGTCCCCAACTGGGACTGTGACTACTATGATGAAAAGGTGGTTAAGTTGCTGA-3'
Protein context (NP_612404.1, residues 366-386): TVDGFRYFLL[Arg376Trp]QGVPNWDCDY

ClinVar aggregate classification (germline): Uncertain significance (1 of 4 stars; one submission).

gnomAD v4.1: 2 of 1,614,200 alleles (0.00012%); highest among the groups gnomAD compares: Non-Finnish European, 0.00017%; no homozygotes.

Submission:

Labcorp Genetics (formerly Invitae), Labcorp
Classification: Uncertain significance. Last evaluated: 2025-04-17. Review status: criteria provided, single submitter. Criteria: Invitae Variant Classification Sherloc (09022015). Collection method: clinical testing. Allele origin: germline.
Comment: This sequence change replaces arginine, which is basic and polar, with tryptophan, which is neutral and slightly polar, at codon 376 of the MARS2 protein (p.Arg376Trp). This variant is not present in population databases (gnomAD no frequency). This variant has not been reported in the literature in individuals affected with MARS2-related conditions. Invitae Evidence Modeling of protein sequence and biophysical properties (such as structural, functional, and spatial information, amino acid conservation, physicochemical variation, residue mobility, and thermodynamic stability) indicates that this missense variant is expected to disrupt MARS2 protein function with a positive predictive value of 80%. In summary, the available evidence is currently insufficient to determine the role of this variant in disease. Therefore, it has been classified as a Variant of Uncertain Significance.